The following is an entry in ClinVar:

NM_005591.4(MRE11):c.1726C>T (p.Arg576Ter)

Gene: MRE11 (MRE11 double strand break repair nuclease; minus strand). Cytogenetic location: 11q21.
Variant type: single nucleotide variant.
Coding change: c.1726C>T on transcript NM_005591.4 (MANE Select); coding-DNA position 1726, C replaced by T.
Protein change: p.Arg576Ter; replaces arginine 576 with a stop codon.
Molecular consequence: nonsense.
Genome position (GRCh38, 1-based): chr11:94,447,276, G>A on the plus strand (C>T on the coding strand, the complement: MRE11 is on the minus strand). VCF-style: chr11-94447276-G-A. GRCh37 (hg19) VCF-style: chr11-94180442-G-A.
Other names: c.1726C>T, p.Arg576Ter (NM_001330347.2, NM_005590.4); short protein forms R576*.
Identifiers: ClinVar variation 184445 (VCV000184445.58), dbSNP rs774277300, ClinGen allele CA333838.

ClinVar aggregate classification (germline): Pathogenic/Likely pathogenic. Review status: criteria provided, multiple submitters, no conflicts (2 of 4 stars). 10 submissions from 10 submitters: Pathogenic (7); Likely pathogenic (2). 1 of the submissions does not count toward it. Last evaluated 2025-11-05.

Conditions:
Colonic neoplasm. Also called: Neoplasm of the colon; Colonic Neoplasms. Identifiers: MedGen C0009375, MeSH D003110, MONDO:0005401, HP:0100273.
Ataxia-telangiectasia-like disorder (ATLD). Identifiers: MedGen C1858391, MONDO:0011457.
MRE11A-related disorders.
Hereditary cancer-predisposing syndrome. Also called: Tumor predisposition; Neoplastic Syndromes, Hereditary; Hereditary Cancer Syndrome; Hereditary neoplastic syndrome. Identifiers: Orphanet 140162, MedGen C0027672, MeSH D009386, MONDO:0015356.
Ataxia-telangiectasia-like disorder 1 (ATLD1). Identifiers: Orphanet 251347, MedGen C4012790, MONDO:0024557, OMIM 604391.

Allele frequency attached by ClinVar (database versions not stated): TOPMed 0.00002.
gnomAD v4.1: 61 of 1,613,702 alleles (0.0038%); highest among the groups gnomAD compares: Non-Finnish European, 0.0047%; no homozygotes.

Submissions (10):

Labcorp Genetics (formerly Invitae), Labcorp
Classification: Pathogenic for Ataxia-telangiectasia-like disorder. Last evaluated: 2025-11-05. Review status: criteria provided, single submitter. Criteria: Invitae Variant Classification Sherloc (09022015). Collection method: clinical testing. Allele origin: germline.
Comment: This sequence change creates a premature translational stop signal (p.Arg576*) in the MRE11 gene. It is expected to result in an absent or disrupted protein product. Loss-of-function variants in MRE11 are known to be pathogenic (PMID: 23080121, 23912341). This variant is present in population databases (rs774277300, gnomAD 0.005%). This premature translational stop signal has been observed in individual(s) with colon and breast cancer (PMID: 25452441, 27329137). ClinVar contains an entry for this variant (Variation ID: 184445). For these reasons, this variant has been classified as Pathogenic.

GeneDx
Classification: Pathogenic. Last evaluated: 2024-11-03. Review status: criteria provided, single submitter. Criteria: GeneDx Variant Classification Process June 2021. Collection method: clinical testing. Allele origin: germline. Affected: yes.
Comment: Identified in the heterozygous state in patients with breast, thyroid, and colorectal cancer (PMID: 27329137, 25452441, 26556299); Nonsense variant predicted to result in protein truncation or nonsense mediated decay in a gene for which loss of function is a known mechanism of disease; Not observed at significant frequency in large population cohorts (gnomAD); This variant is associated with the following publications: (PMID: 29922827, 29478780, 26689913, 34426522, 32338768, 36409970, 34887416, 34308104, 34022282, 30964584, 22863007, 25452441, 36982687, 27329137, 26556299, 31033087)

Blueprint Genetics
Classification: Likely pathogenic for MRE11A-related disorders. Last evaluated: 2024-10-18. Review status: criteria provided, single submitter. Criteria: ACMG Guidelines, 2015. Collection method: clinical testing. Allele origin: germline. Affected: yes. Observed: 4 variant alleles.

Baylor Genetics
Classification: Pathogenic for Ataxia-telangiectasia-like disorder 1. Last evaluated: 2024-03-28. Review status: criteria provided, single submitter. Criteria: ACMG Guidelines, 2015. Collection method: clinical testing. Allele origin: unknown.

Department of Pathology and Laboratory Medicine, Sinai Health System
Classification: Likely pathogenic for Ataxia-telangiectasia-like disorder 1. Last evaluated: 2022-05-18. Review status: criteria provided, single submitter. Criteria: ACMG Guidelines, 2015. Collection method: research. Allele origin: germline.

Ambry Genetics
Classification: Pathogenic for Hereditary cancer-predisposing syndrome. Last evaluated: 2021-11-01. Review status: criteria provided, single submitter. Criteria: Ambry Variant Classification Scheme 2023. Collection method: clinical testing. Allele origin: germline.
Comment: The p.R576* pathogenic mutation (also known as c.1726C>T), located in coding exon 14 of the MRE11A gene, results from a C to T substitution at nucleotide position 1726. This changes the amino acid from an arginine to a stop codon within coding exon 14. This alteration has been detected in individuals with breast, colon, and thyroid cancer (Couch FJ et al. J Clin Oncol, 2015 Feb;33:304-11; Chubb D et al. Nat Commun, 2016 06;7:11883; Schrader KA et al. JAMA Oncol, 2016 Jan;2:104-11). In one study, an individual diagnosed with ataxiatelangiectasialike disorder was identified to carry this alteration in trans with an MRE11A missense variant (Fi&eacute;vet A et al. Hum Mutat, 2019 10;40:1690-1699). This alteration is expected to result in loss of function by premature protein truncation or nonsense-mediated mRNA decay. As such, this alteration is interpreted as a disease-causing mutation.

CeGaT Center for Human Genetics Tuebingen
Classification: Pathogenic. Last evaluated: 2021-04-01. Review status: criteria provided, single submitter. Criteria: CeGaT Center For Human Genetics Tuebingen Variant Classification Criteria Version 2. Collection method: clinical testing. Allele origin: germline. Affected: yes. Observed: 1 variant allele.

Revvity Omics, Revvity
Classification: Pathogenic for Ataxia-telangiectasia-like disorder 1. Last evaluated: 2019-05-12. Review status: criteria provided, single submitter. Criteria: ACMG Guidelines, 2015. Collection method: clinical testing. Allele origin: germline.

Undiagnosed Diseases Network, NIH
Classification: Pathogenic for Ataxia-telangiectasia-like disorder 1. Last evaluated: 2019-03-08. Review status: criteria provided, single submitter. Criteria: ACMG Guidelines, 2015. Collection method: clinical testing. Allele origin: paternal. Inheritance: Autosomal recessive inheritance. Affected: yes. Observed: 1 variant allele, 1 compound heterozygote. Study: Undiagnosed Diseases Network (NIH), UDN.

Medical Genetics Laboratory, Umraniye Training and Research Hospital, University of Health Sciences
Classification: Pathogenic for Colonic neoplasm. Last evaluated: 2021-09-12. Review status: no assertion criteria provided. Collection method: clinical testing. Allele origin: germline. Inheritance: Autosomal dominant inheritance. Affected: yes. Observed: 1 heterozygote. Not counted in ClinVar's aggregate classification.

Literature cited by the submitters: PubMed 23080121 (cited by Labcorp Genetics (formerly Invitae), Labcorp); PubMed 23912341 (cited by Labcorp Genetics (formerly Invitae), Labcorp); PubMed 25452441 (cited by Labcorp Genetics (formerly Invitae), Labcorp and Ambry Genetics); PubMed 27329137 (cited by Labcorp Genetics (formerly Invitae), Labcorp and Ambry Genetics); PubMed 26556299 (cited by Ambry Genetics); PubMed 31033087 (cited by Ambry Genetics).